The following is an entry in ClinVar:

ClinVar aggregate classification (germline): Uncertain significance. Review status: criteria provided, single submitter (1 of 4 stars). 2 submissions from 2 submitters: Uncertain significance (1). 1 of the submissions does not count toward it. Last evaluated 2025-12-11.

Conditions:
Inborn genetic diseases. Identifiers: MedGen C0950123, MeSH D030342.
EXPH5-related disorder. Also called: EXPH5-related condition.

Allele frequency attached by ClinVar (database versions not stated): gnomAD exomes 0.00003; 1000 Genomes Project 30x 0.00016; 1000 Genomes Project 0.00020; gnomAD 0.00026; ExAC 0.00004; ESP Exome Variant Server 0.00015; TOPMed 0.00035.
gnomAD v4.1: 87 of 1,614,102 alleles (0.0054%); highest among the groups gnomAD compares: African/African-American, 0.099%; no homozygotes.

Submissions (2):

Ambry Genetics
Classification: Uncertain significance for Inborn genetic diseases. Last evaluated: 2025-12-11. Review status: criteria provided, single submitter. Criteria: Ambry Variant Classification Scheme 2023. Collection method: clinical testing. Allele origin: germline.

PreventionGenetics, part of Exact Sciences
Classification: Uncertain significance for EXPH5-related condition. Last evaluated: 2024-08-30. Review status: no assertion criteria provided. Collection method: clinical testing. Allele origin: germline. Not counted in ClinVar's aggregate classification.
Comment: The EXPH5 c.4564G>A variant is predicted to result in the amino acid substitution p.Glu1522Lys. To our knowledge, this variant has not been reported in the literature. This variant is reported in 0.068% of alleles in individuals of African descent in gnomAD, which is likely too common for an undocumented disease-causing variant. Although we suspect that this variant may be benign, at this time, the clinical significance of this variant is uncertain due to the absence of conclusive functional and genetic evidence.

NM_015065.3(EXPH5):c.4564G>A (p.Glu1522Lys)

Gene: EXPH5 (exophilin 5; minus strand). Cytogenetic location: 11q22.3.
Variant type: single nucleotide variant.
Coding change: c.4564G>A on transcript NM_015065.3 (MANE Select); coding-DNA position 4564, G replaced by A.
Protein change: p.Glu1522Lys; replaces glutamic acid 1522 with lysine.
Molecular consequence: missense variant.
Genome position (GRCh38, 1-based): chr11:108,510,943, C>T on the plus strand (G>A on the coding strand, the complement: EXPH5 is on the minus strand). VCF-style: chr11-108510943-C-T. GRCh37 (hg19) VCF-style: chr11-108381670-C-T.
Other names: c.4336G>A, p.Glu1446Lys (NM_001144763.2); c.4096G>A, p.Glu1366Lys (NM_001144764.2); c.4000G>A, p.Glu1334Lys (NM_001144765.2); c.4543G>A, p.Glu1515Lys (NM_001308019.2); short protein forms E1334K, E1522K, E1366K, E1446K, E1515K.
Identifiers: ClinVar variation 3091260 (VCV003091260.3), dbSNP rs150950878, ClinGen allele CA6267498.